The following is an entry in ClinVar:

ClinVar aggregate classification (germline): Uncertain significance (1 of 4 stars; one submission).

Allele frequency attached by ClinVar (database versions not stated): gnomAD exomes below 0.00001.

Submission:

Ambry Genetics
Classification: Uncertain significance. Last evaluated: 2023-02-12. Review status: criteria provided, single submitter. Criteria: Ambry Variant Classification Scheme 2023. Collection method: clinical testing. Allele origin: germline.
Comment: The p.T41I variant (also known as c.122C>T), located in coding exon 3 of the RAD54L gene, results from a C to T substitution at nucleotide position 122. The threonine at codon 41 is replaced by isoleucine, an amino acid with similar properties. This amino acid position is conserved. In addition, this alteration is predicted to be tolerated by in silico analysis. Since supporting evidence is limited at this time, the clinical significance of this alteration remains unclear.

NM_003579.4(RAD54L):c.122C>T (p.Thr41Ile)

Gene: RAD54L (RAD54 like; plus strand). Cytogenetic location: 1p34.1.
Variant type: single nucleotide variant.
Coding change: c.122C>T on transcript NM_003579.4 (MANE Select); coding-DNA position 122, C replaced by T.
Protein change: p.Thr41Ile; replaces threonine 41 with isoleucine.
Molecular consequence: missense variant. On other transcripts: 5 prime UTR variant (1).
Genome position (GRCh38, 1-based): chr1:46,250,031, C>T. VCF-style: chr1-46250031-C-T. GRCh37 (hg19) VCF-style: chr1-46715703-C-T.
Other names: c.122C>T, p.Thr41Ile (NM_001142548.2); c.-419C>T (NM_001370766.1); short protein forms T41I.
Identifiers: ClinVar variation 2467439 (VCV002467439.2), dbSNP rs1449828957, ClinGen allele CA340175670.
Genomic context (GRCh38, chr1:46,250,031, plus strand): 5'-ACTTCACCTTTCCCAATTCTCTCTCCTAGACTCCTAGGAAACGGAAATCCAGCAGTGAGA[C>T]CCAGATCCAGGAGTGTTTCCTGTCTCCTTTTCGGAAACCTTTGAGTCAGCTAACCAATCA-3'
Protein context (NP_003570.2, residues 31-51): TPRKRKSSSE[Thr41Ile]QIQECFLSPF